The following is an entry in ClinVar:

NM_003292.3(TPR):c.5119A>G (p.Thr1707Ala)

Gene: TPR (translocated promoter region, nuclear basket protein; minus strand). Cytogenetic location: 1q31.1.
Variant type: single nucleotide variant.
Coding change: c.5119A>G on transcript NM_003292.3 (MANE Select); coding-DNA position 5119, A replaced by G.
Protein change: p.Thr1707Ala; replaces threonine 1707 with alanine.
Molecular consequence: missense variant.
Genome position (GRCh38, 1-based): chr1:186,334,388, T>C on the plus strand (A>G on the coding strand, the complement: TPR is on the minus strand). VCF-style: chr1-186334388-T-C. GRCh37 (hg19) VCF-style: chr1-186303520-T-C.
Other names: short protein forms T1707A.
Identifiers: ClinVar variation 2639666 (VCV002639666.24), dbSNP rs35766045, ClinGen allele CA1297421.

ClinVar aggregate classification (germline): Likely benign (1 of 4 stars; one submission).

Allele frequency attached by ClinVar (database versions not stated): 1000 Genomes Project 30x 0.00265; 1000 Genomes Project 0.00300; TOPMed 0.00465; ExAC 0.00484; gnomAD 0.00488; gnomAD exomes 0.00595; ESP Exome Variant Server 0.00630.
gnomAD v4.1: 9,459 of 1,613,598 alleles (0.59%); highest among the groups gnomAD compares: Middle Eastern, 0.89%; 57 homozygotes.

Submission:

CeGaT Center for Human Genetics Tuebingen
Classification: Likely benign. Last evaluated: 2025-03-01. Review status: criteria provided, single submitter. Criteria: CeGaT Center For Human Genetics Tuebingen Variant Classification Criteria Version 2. Collection method: clinical testing. Allele origin: germline. Affected: yes. Observed: 5 variant alleles.
Comment: TPR: PP2, BS2